The following is an entry in ClinVar:

ClinVar aggregate classification (germline): Uncertain significance (1 of 4 stars; one submission).

Conditions:
Candidiasis, familial, 9 (CANDF9). Identifiers: Orphanet 1334, MedGen C4225324, MONDO:0014642, OMIM 616445.

Allele frequency attached by ClinVar (database versions not stated): gnomAD exomes 0.00001; TOPMed 0.00001; ExAC 0.00003.
gnomAD v4.1: 8 of 1,608,290 alleles (0.0005%); highest among the groups gnomAD compares: Middle Eastern, 0.017%; no homozygotes.

Submission:

Labcorp Genetics (formerly Invitae), Labcorp
Classification: Uncertain significance for Candidiasis, familial, 9. Last evaluated: 2024-02-17. Review status: criteria provided, single submitter. Criteria: Invitae Variant Classification Sherloc (09022015). Collection method: clinical testing. Allele origin: germline.
Comment: This sequence change creates a premature translational stop signal (p.Arg243*) in the IL17RC gene. It is expected to result in an absent or disrupted protein product. However, the current clinical and genetic evidence is not sufficient to establish whether loss-of-function variants in IL17RC cause disease. The frequency data for this variant in the population databases is considered unreliable, as metrics indicate poor data quality at this position in the gnomAD database. This variant has not been reported in the literature in individuals affected with IL17RC-related conditions. ClinVar contains an entry for this variant (Variation ID: 1899172). In summary, the available evidence is currently insufficient to determine the role of this variant in disease. Therefore, it has been classified as a Variant of Uncertain Significance.

NM_153460.4(IL17RC):c.514C>T (p.Arg172Ter)

Gene: IL17RC (interleukin 17 receptor C; plus strand). Cytogenetic location: 3p25.3.
Variant type: single nucleotide variant.
Coding change: c.514C>T on transcript NM_153460.4 (MANE Select); coding-DNA position 514, C replaced by T.
Protein change: p.Arg172Ter; replaces arginine 172 with a stop codon.
Molecular consequence: nonsense. On other transcripts: non-coding transcript variant (1).
Genome position (GRCh38, 1-based): chr3:9,920,539, C>T. VCF-style: chr3-9920539-C-T. GRCh37 (hg19) VCF-style: chr3-9962223-C-T.
Other names: c.514C>T, p.Arg172Ter (NM_001203263.2, NM_001203264.2, NM_001203265.2 and 4 more transcripts); c.439C>T, p.Arg147Ter (NM_001367279.1); c.727C>T, p.Arg243Ter (NM_153461.4); short protein forms R172*, R147*, R243*.
Identifiers: ClinVar variation 1899172 (VCV001899172.5), dbSNP rs763173682, ClinGen allele CA2246856.
Genomic context (GRCh38, chr3:9,920,539, plus strand): 5'-CTCTCCTCACAGGGCTCTGTGGTATATGACTGCTTCGAGGCTGCCCTAGGGAGTGAGGTA[C>T]GAATCTGGTCCTATACTCAGCCCAGGTACGAGAAGGAACTCAACCACACACAGCAGCTGC-3'